The following is an entry in ClinVar:

NM_014639.4(SKIC3):c.860del (p.Lys287fs)

Gene: SKIC3 (SKI3 subunit of superkiller complex; minus strand). Cytogenetic location: 5q15.
Variant type: Deletion.
Coding change: c.860del on transcript NM_014639.4 (MANE Select); coding-DNA position 860, one base deleted (A; older notation c.860delA).
Protein change: p.Lys287fs; shifts the reading frame from lysine 287.
Molecular consequence: frameshift variant.
Genome position (GRCh38, 1-based): chr5:95,530,121, T deleted on the plus strand (A on the coding strand, the reverse complement: SKIC3 is on the minus strand); the first of 5 consecutive T bases (chr5:95,530,121-95,530,125); deleting any one gives the same sequence. VCF-style (leftmost placement, unchanged base first): chr5-95530120-CT-C. GRCh37 (hg19) VCF-style: chr5-94865824-CT-C.
Other names: c.860delA (NM_014639.4); short protein forms K287fs.
Identifiers: ClinVar variation 1456349 (VCV001456349.7), dbSNP rs1321345597, ClinGen allele CA360466624.
Genomic context (GRCh38, chr5:95,530,120, plus strand): 5'-ACGTTACATGCCATACACTGTACATTTACCTTCTGTTAGGTTCCTAACAGCATCTTCATA[CT>C]TTTTGTCTTGTAATGCTTTAATGCCTAAGCCAATGAGGCCTGGACCACTTTTTGAATCCA-3'

ClinVar aggregate classification (germline): Pathogenic. Review status: criteria provided, multiple submitters, no conflicts (2 of 4 stars). 2 submissions from 2 submitters: Pathogenic (2). Last evaluated 2025-12-22.

Conditions:
Trichohepatoenteric syndrome. Also called: Syndromic diarrhea; Tricho-hepato-enteric syndrome; THE SYNDROME. Identifiers: Orphanet 84064, MedGen C1857276, MONDO:0009105.

Submissions (2):

Labcorp Genetics (formerly Invitae), Labcorp
Classification: Pathogenic. Last evaluated: 2025-12-22. Review status: criteria provided, single submitter. Criteria: Invitae Variant Classification Sherloc (09022015). Collection method: clinical testing. Allele origin: germline.
Comment: This sequence change creates a premature translational stop signal (p.Lys287Serfs*9) in the TTC37 gene. It is expected to result in an absent or disrupted protein product. Loss-of-function variants in TTC37 are known to be pathogenic (PMID: 20176027, 21120949). This variant is not present in population databases (gnomAD no frequency). This variant has not been reported in the literature in individuals affected with TTC37-related conditions. ClinVar contains an entry for this variant (Variation ID: 1456349). For these reasons, this variant has been classified as Pathogenic.

Women's Health and Genetics/Laboratory Corporation of America, LabCorp
Classification: Pathogenic for Trichohepatoenteric syndrome. Last evaluated: 2024-10-22. Review status: criteria provided, single submitter. Criteria: LabCorp Variant Classification Summary - May 2015. Collection method: clinical testing. Allele origin: germline.
Comment: Variant summary: SKIC3 c.860delA (p.Lys287SerfsX9) results in a premature termination codon, predicted to cause a truncation of the encoded protein or absence of the protein due to nonsense mediated decay, which are commonly known mechanisms for disease. The variant was absent in 251104 control chromosomes (gnomAD). To our knowledge, no occurrence of c.860delA in individuals affected with Trichohepatoenteric Syndrome and no experimental evidence demonstrating its impact on protein function have been reported. ClinVar contains an entry for this variant (Variation ID: 1456349). Based on the evidence outlined above, the variant was classified as pathogenic.

Literature cited by the submitters: PubMed 20176027 (cited by Labcorp Genetics (formerly Invitae), Labcorp); PubMed 21120949 (cited by Labcorp Genetics (formerly Invitae), Labcorp).